The following is an entry in ClinVar:

NM_015459.5(ATL3):c.796C>A (p.Pro266Thr)

Genes: ATL3 (atlastin GTPase 3; minus strand), LNCROPM (lncRNA regulator of PLAAT3 mediated phospholipid metabolism; plus strand). Cytogenetic location: 11q13.1.
Variant type: single nucleotide variant.
Coding change: c.796C>A on transcript NM_015459.5 (MANE Select); coding-DNA position 796, C replaced by A.
Protein change: p.Pro266Thr; replaces proline 266 with threonine.
Molecular consequence: missense variant.
Genome position (GRCh38, 1-based): chr11:63,643,411, G>T on the plus strand (C>A on the coding strand, the complement: ATL3 is on the minus strand). VCF-style: chr11-63643411-G-T. GRCh37 (hg19) VCF-style: chr11-63410883-G-T.
Other names: c.742C>A, p.Pro248Thr (NM_001290048.2); short protein forms P266T, P248T.
Identifiers: ClinVar variation 541687 (VCV000541687.8), dbSNP rs1052779395, ClinGen allele CA381024242.

ClinVar aggregate classification (germline): Uncertain significance (1 of 4 stars; one submission).

Conditions:
Neuropathy, hereditary sensory, type 1F. Also called: HSN IF; Hereditary sensory neuropathy type IF. Identifiers: Orphanet 36386, MedGen C3810194, MONDO:0014286, OMIM 615632.

gnomAD v4.1: 1 of 1,611,258 alleles (0.000062%); highest among the groups gnomAD compares: African/African-American, 0.0013%; no homozygotes.

Submission:

Labcorp Genetics (formerly Invitae), Labcorp
Classification: Uncertain significance for Neuropathy, hereditary sensory, type 1F. Last evaluated: 2020-01-27. Review status: criteria provided, single submitter. Criteria: Invitae Variant Classification Sherloc (09022015). Collection method: clinical testing. Allele origin: germline.
Comment: In summary, the available evidence is currently insufficient to determine the role of this variant in disease. Therefore, it has been classified as a Variant of Uncertain Significance. Algorithms developed to predict the effect of missense changes on protein structure and function (SIFT, PolyPhen-2, Align-GVGD) all suggest that this variant is likely to be disruptive, but these predictions have not been confirmed by published functional studies and their clinical significance is uncertain. This variant has not been reported in the literature in individuals with ATL3-related disease. This variant is not present in population databases (ExAC no frequency). This sequence change replaces proline with threonine at codon 266 of the ATL3 protein (p.Pro266Thr). The proline residue is highly conserved and there is a small physicochemical difference between proline and threonine.